The following is an entry in ClinVar:

NM_015450.3(POT1):c.567_568del (p.Pro190fs)

Gene: POT1 (protection of telomeres 1; minus strand). Cytogenetic location: 7q31.33.
Variant type: Microsatellite.
Coding change: c.567_568del on transcript NM_015450.3 (MANE Select); coding-DNA positions 567 to 568, 2 bases deleted (AC; older notation c.567_568delAC).
Protein change: p.Pro190fs; shifts the reading frame from proline 190.
Molecular consequence: frameshift variant. On other transcripts: non-coding transcript variant (3).
Genome position (GRCh38, 1-based): chr7:124,859,091-124,859,092, GT deleted on the plus strand (AC on the coding strand, the reverse complement: POT1 is on the minus strand); deleting any 2 consecutive bases within chr7:124,859,091-124,859,094 gives the same sequence; the c. name uses the placement nearest the transcript's 3' end. VCF-style (leftmost placement, unchanged base first): chr7-124859090-GGT-G. GRCh37 (hg19) VCF-style: chr7-124499144-GGT-G.
Other names: c.567_568delAC (NM_015450.2); c.174_175del, p.Pro59fs (NM_001042594.2); short protein forms P190fs, P59fs.
Identifiers: ClinVar variation 2881926 (VCV002881926.4), dbSNP rs2485464100, ClinGen allele CA2579036960.

ClinVar aggregate classification (germline): Pathogenic. Review status: criteria provided, multiple submitters, no conflicts (2 of 4 stars). 2 submissions from 2 submitters: Pathogenic (2). Last evaluated 2026-02-27.

Conditions:
Hereditary cancer-predisposing syndrome. Also called: Tumor predisposition; Hereditary neoplastic syndrome; Hereditary Cancer Syndrome; Neoplastic Syndromes, Hereditary. Identifiers: Orphanet 140162, MedGen C0027672, MeSH D009386, MONDO:0015356.
Tumor predisposition syndrome 3 (TPDS3). Also called: LONG TELOMERE SYNDROME, POT1-RELATED; POT1 Tumor Predisposition; Melanoma, cutaneous malignant, susceptibility to, 10; Glioma susceptibility 9. Identifiers: Orphanet 618, MedGen C4014476, MONDO:0014368, OMIM 615848.

Submissions (2):

Ambry Genetics
Classification: Pathogenic for Hereditary cancer-predisposing syndrome. Last evaluated: 2026-02-27. Review status: criteria provided, single submitter. Criteria: Ambry Variant Classification Scheme 2023. Collection method: clinical testing. Allele origin: germline.
Comment: The c.567_568delAC pathogenic mutation, located in coding exon 5 of the POT1 gene, results from a deletion of two nucleotides at nucleotide positions 567 to 568, causing a translational frameshift with a predicted alternate stop codon (p.P190Ifs*14). This variant is considered to be rare based on population cohorts in the Genome Aggregation Database (gnomAD). This variant is expected to result in loss of function by premature protein truncation or nonsense-mediated mRNA decay. As such, this variant is interpreted as a disease-causing mutation.

Labcorp Genetics (formerly Invitae), Labcorp
Classification: Pathogenic for Tumor predisposition syndrome 3. Last evaluated: 2023-11-11. Review status: criteria provided, single submitter. Criteria: Invitae Variant Classification Sherloc (09022015). Collection method: clinical testing. Allele origin: germline.
Comment: This sequence change creates a premature translational stop signal (p.Pro190Ilefs*14) in the POT1 gene. It is expected to result in an absent or disrupted protein product. Loss-of-function variants in POT1 are known to be pathogenic (PMID: 32155570). This variant is not present in population databases (gnomAD no frequency). This variant has not been reported in the literature in individuals affected with POT1-related conditions. For these reasons, this variant has been classified as Pathogenic.

Literature cited by the submitters: PubMed 32155570 (cited by Labcorp Genetics (formerly Invitae), Labcorp).